The following is an entry in ClinVar:

ClinVar aggregate classification (germline): Uncertain significance (1 of 4 stars; one submission).

Submission:

Women's Health and Genetics/Laboratory Corporation of America, LabCorp
Classification: Uncertain significance. Last evaluated: 2025-10-08. Review status: criteria provided, single submitter. Criteria: LabCorp Variant Classification Summary - May 2015. Collection method: clinical testing. Allele origin: germline.
Comment: Variant summary: ZNF469 c.10483G>A (p.Gly3495Arg) results in a non-conservative amino acid change in the encoded protein sequence. Algorithms developed to predict the effect of missense changes on protein structure and function are either unavailable or do not agree on the potential impact of this missense change. The variant was absent in 145532 control chromosomes. The available data on variant occurrences in the general population are insufficient to allow any conclusion about variant significance. To our knowledge, no occurrence of c.10483G>A in individuals affected with ZNF469-related conditions and no experimental evidence demonstrating its impact on protein function have been reported. No submitters have cited clinical-significance assessments for this variant to ClinVar. Based on the evidence outlined above, the variant was classified as uncertain significance.

NM_001367624.2(ZNF469):c.10483G>A (p.Gly3495Arg)

Gene: ZNF469 (zinc finger protein 469; plus strand). Cytogenetic location: 16q24.2.
Variant type: single nucleotide variant.
Coding change: c.10483G>A on transcript NM_001367624.2 (MANE Select); coding-DNA position 10483, G replaced by A.
Protein change: p.Gly3495Arg; replaces glycine 3495 with arginine.
Molecular consequence: missense variant.
Genome position (GRCh38, 1-based): chr16:88,437,953, G>A. VCF-style: chr16-88437953-G-A. GRCh37 (hg19) VCF-style: chr16-88504361-G-A.
Other names: short protein forms G3495R.
Identifiers: ClinVar variation 4687451 (VCV004687451.1).